The following is an entry in ClinVar:

ClinVar aggregate classification (germline): Uncertain significance (1 of 4 stars; one submission).

Submission:

Ambry Genetics
Classification: Uncertain significance. Last evaluated: 2022-11-15. Review status: criteria provided, single submitter. Criteria: Ambry Variant Classification Scheme 2023. Collection method: clinical testing. Allele origin: germline.
Comment: The p.L1176S variant (also known as c.3527T>C), located in coding exon 4 of the MLH3 gene, results from a T to C substitution at nucleotide position 3527. The leucine at codon 1176 is replaced by serine, an amino acid with dissimilar properties. This amino acid position is conserved. In addition, the in silico prediction for this alteration is inconclusive. Since supporting evidence is limited at this time, the clinical significance of this alteration remains unclear.

NM_001040108.2(MLH3):c.3527T>C (p.Leu1176Ser)

Gene: MLH3 (mutL homolog 3; minus strand). Cytogenetic location: 14q24.3.
Variant type: single nucleotide variant.
Coding change: c.3527T>C on transcript NM_001040108.2 (MANE Select); coding-DNA position 3527, T replaced by C.
Protein change: p.Leu1176Ser; replaces leucine 1176 with serine.
Molecular consequence: missense variant.
Genome position (GRCh38, 1-based): chr14:75,039,954, A>G on the plus strand (T>C on the coding strand, the complement: MLH3 is on the minus strand). VCF-style: chr14-75039954-A-G. GRCh37 (hg19) VCF-style: chr14-75506657-A-G.
Other names: c.3527T>C, p.Leu1176Ser (NM_014381.3); short protein forms L1176S.
Identifiers: ClinVar variation 2497073 (VCV002497073.2), dbSNP rs2503195519, ClinGen allele CA390428598.
Genomic context (GRCh38, chr14:75,039,954, plus strand): 5'-TGAAGTTAATCTTTTACCTGCATTGAATGAATCATTCCTTTGGTGAAACGATAGGGATAC[A>G]AGATGTTGTGAATTTTAACTGCTAAGCTCTCAGCCTGGCCACTGCTTACATCAACAGCAA-3'
Protein context (NP_001035197.1, residues 1166-1186): ESLAVKIHNI[Leu1176Ser]YPYRFTKGMI